The following is an entry in ClinVar:

NM_001365999.1(SZT2):c.4069C>T (p.Pro1357Ser)

Gene: SZT2 (SZT2 subunit of KICSTOR complex; plus strand). Cytogenetic location: 1p34.2.
Variant type: single nucleotide variant.
Coding change: c.4069C>T on transcript NM_001365999.1 (MANE Select); coding-DNA position 4069, C replaced by T.
Protein change: p.Pro1357Ser; replaces proline 1357 with serine.
Molecular consequence: missense variant.
Genome position (GRCh38, 1-based): chr1:43,428,389, C>T. VCF-style: chr1-43428389-C-T. GRCh37 (hg19) VCF-style: chr1-43894060-C-T.
Other names: c.3898C>T, p.Pro1300Ser (NM_015284.4); short protein forms P1300S, P1357S.
Identifiers: ClinVar variation 1420735 (VCV001420735.6), dbSNP rs748826670, ClinGen allele CA809174.
Genomic context (GRCh38, chr1:43,428,389, plus strand): 5'-ATAGACATCACCCCATTTCTCCTTGCATTGTGTGGCCACACTTGGGGTTTGCCTCATGCA[C>T]CCCCAAGTCCTGGTCCTCTCAGCCCTGGGCCCTTCAGCAGCAGCATGGAGGAGGGTGCTG-3'
Protein context (NP_001352928.1, residues 1347-1367): CGHTWGLPHA[Pro1357Ser]PSPGPLSPGP

ClinVar aggregate classification (germline): Uncertain significance (1 of 4 stars; one submission).

Allele frequency attached by ClinVar (database versions not stated): gnomAD 0.00001; TOPMed 0.00001.
gnomAD v4.1: 63 of 1,614,046 alleles (0.0039%); highest among the groups gnomAD compares: Non-Finnish European, 0.0053%; no homozygotes.

Submission:

Labcorp Genetics (formerly Invitae), Labcorp
Classification: Uncertain significance. Last evaluated: 2022-07-26. Review status: criteria provided, single submitter. Criteria: Invitae Variant Classification Sherloc (09022015). Collection method: clinical testing. Allele origin: germline.
Comment: Algorithms developed to predict the effect of missense changes on protein structure and function are either unavailable or do not agree on the potential impact of this missense change (SIFT: "Tolerated"; PolyPhen-2: "Possibly Damaging"; Align-GVGD: "Class C0"). In summary, the available evidence is currently insufficient to determine the role of this variant in disease. Therefore, it has been classified as a Variant of Uncertain Significance. ClinVar contains an entry for this variant (Variation ID: 1420735). This variant has not been reported in the literature in individuals affected with SZT2-related conditions. This variant is present in population databases (rs748826670, gnomAD 0.004%). This sequence change replaces proline, which is neutral and non-polar, with serine, which is neutral and polar, at codon 1300 of the SZT2 protein (p.Pro1300Ser).